The following is an entry in ClinVar:

ClinVar aggregate classification (germline): Uncertain significance (1 of 4 stars; one submission).

Conditions:
Inborn genetic diseases. Identifiers: MedGen C0950123, MeSH D030342.

Submission:

Ambry Genetics
Classification: Uncertain significance for Inborn genetic diseases. Last evaluated: 2025-10-14. Review status: criteria provided, single submitter. Criteria: Ambry Variant Classification Scheme 2023. Collection method: clinical testing. Allele origin: germline.
Comment: The p.K188T variant (also known as c.563A>C), located in coding exon 3 of the ERCC6L2 gene, results from an A to C substitution at nucleotide position 563. The lysine at codon 188 is replaced by threonine, an amino acid with similar properties. This amino acid position is conserved. In addition, the in silico prediction for this alteration is inconclusive. Based on the available evidence, the clinical significance of this variant remains unclear.

NM_020207.7(ERCC6L2):c.563A>C (p.Lys188Thr)

Gene: ERCC6L2 (ERCC excision repair 6 like 2; plus strand). Cytogenetic location: 9q22.32.
Variant type: single nucleotide variant.
Coding change: c.563A>C on transcript NM_020207.7 (MANE Select); coding-DNA position 563, A replaced by C.
Protein change: p.Lys188Thr; replaces lysine 188 with threonine.
Molecular consequence: missense variant. On other transcripts: non-coding transcript variant (1).
Genome position (GRCh38, 1-based): chr9:95,897,940, A>C. VCF-style: chr9-95897940-A-C. GRCh37 (hg19) VCF-style: chr9-98660222-A-C.
Other names: c.563A>C, p.Lys188Thr (NM_001010895.4, NM_001375291.1, NM_001375292.1 and 2 more transcripts); short protein forms K188T.
Identifiers: ClinVar variation 4618725 (VCV004618725.1).